The following is an entry in ClinVar:

ClinVar aggregate classification (germline): Uncertain significance. Review status: criteria provided, multiple submitters, no conflicts (2 of 4 stars). 2 submissions from 2 submitters: Uncertain significance (2). Last evaluated 2024-12-03.

Conditions:
Primary ciliary dyskinesia. Also called: Ciliary dyskinesia. Identifiers: Orphanet 244, MedGen C0008780, MONDO:0016575, HP:0012265.

Allele frequency attached by ClinVar (database versions not stated): gnomAD exomes below 0.00001; ExAC 0.00001; TOPMed 0.00001.
gnomAD v4.1: 5 of 1,614,184 alleles (0.00031%); highest among the groups gnomAD compares: Admixed American, 0.0067%; no homozygotes.

Submissions (2):

Ambry Genetics
Classification: Uncertain significance for Primary ciliary dyskinesia. Last evaluated: 2024-12-03. Review status: criteria provided, single submitter. Criteria: Ambry Variant Classification Scheme 2023. Collection method: clinical testing. Allele origin: germline.

Labcorp Genetics (formerly Invitae), Labcorp
Classification: Uncertain significance for Primary ciliary dyskinesia. Last evaluated: 2023-10-27. Review status: criteria provided, single submitter. Criteria: Invitae Variant Classification Sherloc (09022015). Collection method: clinical testing. Allele origin: germline.
Comment: This sequence change replaces glutamine, which is neutral and polar, with lysine, which is basic and polar, at codon 452 of the CCDC40 protein (p.Gln452Lys). This variant is present in population databases (rs760026148, gnomAD 0.006%). This variant has not been reported in the literature in individuals affected with CCDC40-related conditions. ClinVar contains an entry for this variant (Variation ID: 1895485). Advanced modeling of protein sequence and biophysical properties (such as structural, functional, and spatial information, amino acid conservation, physicochemical variation, residue mobility, and thermodynamic stability) performed at Invitae indicates that this missense variant is not expected to disrupt CCDC40 protein function with a negative predictive value of 80%. In summary, the available evidence is currently insufficient to determine the role of this variant in disease. Therefore, it has been classified as a Variant of Uncertain Significance.

NM_017950.4(CCDC40):c.1354C>A (p.Gln452Lys)

Gene: CCDC40 (coiled-coil domain 40 molecular ruler complex subunit; plus strand). Cytogenetic location: 17q25.3.
Variant type: single nucleotide variant.
Coding change: c.1354C>A on transcript NM_017950.4 (MANE Select); coding-DNA position 1354, C replaced by A.
Protein change: p.Gln452Lys; replaces glutamine 452 with lysine.
Molecular consequence: missense variant.
Genome position (GRCh38, 1-based): chr17:80,058,894, C>A. VCF-style: chr17-80058894-C-A. GRCh37 (hg19) VCF-style: chr17-78032693-C-A.
Other names: c.1354C>A, p.Gln452Lys (NM_001243342.2, NM_001330508.2); c.1354C>A (NM_017950.3); short protein forms Q452K.
Identifiers: ClinVar variation 1895485 (VCV001895485.4), dbSNP rs760026148, ClinGen allele CA8813799.